The following is an entry in ClinVar:

ClinVar aggregate classification (germline): Pathogenic (1 of 4 stars; one submission).

Conditions:
Primary ciliary dyskinesia 3. Identifiers: Orphanet 244, MedGen C1837618, MONDO:0012085, OMIM 608644.

Submission:

Myriad Genetics, Inc.
Classification: Pathogenic for Primary ciliary dyskinesia 3. Last evaluated: 2024-05-14. Review status: criteria provided, single submitter. Criteria: Myriad Autosomal Dominant, Autosomal Recessive and X-Linked Classification Criteria (2023). Collection method: clinical testing. Allele origin: unknown.
Comment: NM_001369.2(DNAH5):c.1752_1753ins8(I585Vfs*21) is expected to be pathogenic in the context of primary ciliary dyskinesia, DNAH5-related. This variant is predicted to lead to an abnormal or absent protein product due to the creation of a premature termination codon in DNAH5, a gene where loss-of-function variants are known to be pathogenic. Please note: this variant was assessed in the context of healthy population screening.

NM_001369.3(DNAH5):c.1752_1753insGTCTGTCG (p.Ile585fs)

Gene: DNAH5 (dynein axonemal heavy chain 5; minus strand). Cytogenetic location: 5p15.2.
Variant type: Insertion.
Coding change: c.1752_1753insGTCTGTCG on transcript NM_001369.3 (MANE Select); coding-DNA positions 1752 to 1753, GTCTGTCG inserted.
Protein change: p.Ile585fs; shifts the reading frame from isoleucine 585.
Molecular consequence: frameshift variant.
Genome position: GRCh38 VCF-style: chr5-13901551-T-TCGACAGAC. GRCh37 (hg19) VCF-style: chr5-13901660-T-TCGACAGAC.
Other names: short protein forms I585fs.
Identifiers: ClinVar variation 5010400 (VCV005010400.1).